The following is an entry in ClinVar:

ClinVar aggregate classification (germline): Uncertain significance (1 of 4 stars; one submission).

Conditions:
Warts, hypogammaglobulinemia, infections, and myelokathexis. Also called: WHIM syndrome. Identifiers: MedGen C0472817, MONDO:0023880.

Submission:

Labcorp Genetics (formerly Invitae), Labcorp
Classification: Uncertain significance for Warts, hypogammaglobulinemia, infections, and myelokathexis. Last evaluated: 2023-07-10. Review status: criteria provided, single submitter. Criteria: Invitae Variant Classification Sherloc (09022015). Collection method: clinical testing. Allele origin: germline.
Comment: In summary, the available evidence is currently insufficient to determine the role of this variant in disease. Therefore, it has been classified as a Variant of Uncertain Significance. ClinVar contains an entry for this variant (Variation ID: 863531). This variant has not been reported in the literature in individuals affected with CXCR4-related conditions. This variant is not present in population databases (gnomAD no frequency). This sequence change creates a premature translational stop signal (p.Tyr45Thrfs*6) in the CXCR4 gene. While this is not anticipated to result in nonsense mediated decay, it is expected to disrupt the last 308 amino acid(s) of the CXCR4 protein.

NM_003467.3(CXCR4):c.132del (p.Tyr45fs)

Gene: CXCR4 (C-X-C motif chemokine receptor 4; minus strand). Cytogenetic location: 2q22.1.
Variant type: Deletion.
Coding change: c.132del on transcript NM_003467.3 (MANE Select); coding-DNA position 132, one base deleted (C; older notation c.132delC).
Protein change: p.Tyr45fs; shifts the reading frame from tyrosine 45.
Molecular consequence: frameshift variant.
Genome position (GRCh38, 1-based): chr2:136,115,796, G deleted on the plus strand (C on the coding strand, the reverse complement: CXCR4 is on the minus strand). VCF-style (leftmost placement, unchanged base first): chr2-136115795-AG-A. GRCh37 (hg19) VCF-style: chr2-136873365-AG-A.
Other names: c.144del, p.Tyr49fs (NM_001008540.2); c.345del, p.Tyr116fs (NM_001348056.2); c.231del, p.Tyr78fs (NM_001348059.2); c.87del, p.Tyr30fs (NM_001348060.2); short protein forms Y30fs, Y49fs, Y78fs, Y116fs, Y45fs.
Identifiers: ClinVar variation 863531 (VCV000863531.8), dbSNP rs1684870931, ClinGen allele CA916081315.